The following is an entry in ClinVar:

NM_000077.5(CDKN2A):c.45G>T (p.Trp15Cys)

Gene: CDKN2A (cyclin dependent kinase inhibitor 2A; minus strand). Cytogenetic location: 9p21.3.
Variant type: single nucleotide variant.
Coding change: c.45G>T on transcript NM_000077.5; coding-DNA position 45, G replaced by T.
Protein change: p.Trp15Cys; replaces tryptophan 15 with cysteine.
Molecular consequence: missense variant (on NM_000077.6). On other transcripts: intron variant (2).
Genome position (GRCh38, 1-based): chr9:21,974,783, C>A on the plus strand (G>T on the coding strand, the complement: CDKN2A is on the minus strand). VCF-style: chr9-21974783-C-A. GRCh37 (hg19) VCF-style: chr9-21974782-C-A.
Other names: p.W15C:TGG>TGT; c.45G>T, p.Trp15Cys (NM_000077.6, NM_001195132.2, NM_058197.5); c.-3-3575G>T (NM_001363763.2); c.194-3575G>T (NM_058195.4); short protein forms W15C.
Identifiers: ClinVar variation 182422 (VCV000182422.16), dbSNP rs138677674, ClinGen allele CA299053.

ClinVar aggregate classification (germline): Uncertain significance. Review status: criteria provided, multiple submitters, no conflicts (2 of 4 stars). 6 submissions from 6 submitters: Uncertain significance (6). Last evaluated 2024-05-08.

Conditions:
Hereditary cancer-predisposing syndrome. Also called: Tumor predisposition; Neoplastic Syndromes, Hereditary; Hereditary neoplastic syndrome; Hereditary Cancer Syndrome. Identifiers: Orphanet 140162, MedGen C0027672, MeSH D009386, MONDO:0015356.
Familial melanoma. Also called: Hereditary melanoma; Hereditary cutaneous melanoma. Identifiers: Orphanet 618, MedGen C1512419, MONDO:0018961.
Melanoma and neural system tumor syndrome. Also called: MELANOMA-ASTROCYTOMA SYNDROME. Identifiers: Orphanet 252206, MedGen C1835042, MONDO:0007967, OMIM 155755.

Submissions (6):

Ambry Genetics
Classification: Uncertain significance for Hereditary cancer-predisposing syndrome. Last evaluated: 2024-05-08. Review status: criteria provided, single submitter. Criteria: Ambry Variant Classification Scheme 2023. Collection method: clinical testing. Allele origin: germline.
Comment: The p.W15C variant (also known as c.45G>T), located in coding exon 1 of the CDKN2A gene, results from a G to T substitution at nucleotide position 45. The tryptophan at codon 15 is replaced by cysteine, an amino acid with highly dissimilar properties. This amino acid position is not well conserved in available vertebrate species. In addition, this alteration is predicted to be tolerated by in silico analysis. Based on the available evidence, the clinical significance of this variant remains unclear.

Baylor Genetics
Classification: Uncertain significance for Melanoma and neural system tumor syndrome. Last evaluated: 2024-03-14. Review status: criteria provided, single submitter. Criteria: ACMG Guidelines, 2015. Collection method: clinical testing. Allele origin: unknown.

Labcorp Genetics (formerly Invitae), Labcorp
Classification: Uncertain significance for Familial melanoma. Last evaluated: 2022-03-12. Review status: criteria provided, single submitter. Criteria: Invitae Variant Classification Sherloc (09022015). Collection method: clinical testing. Allele origin: germline.
Comment: This sequence change replaces tryptophan, which is neutral and slightly polar, with cysteine, which is neutral and slightly polar, at codon 15 of the CDKN2A (p16INK4a) protein (p.Trp15Cys). This variant is not present in population databases (gnomAD no frequency). This variant has not been reported in the literature in individuals affected with CDKN2A (p16INK4a)-related conditions. ClinVar contains an entry for this variant (Variation ID: 182422). Algorithms developed to predict the effect of missense changes on protein structure and function (SIFT, PolyPhen-2, Align-GVGD) all suggest that this variant is likely to be tolerated. In summary, the available evidence is currently insufficient to determine the role of this variant in disease. Therefore, it has been classified as a Variant of Uncertain Significance.

Color Diagnostics, LLC DBA Color Health
Classification: Uncertain significance for Hereditary cancer-predisposing syndrome. Last evaluated: 2020-09-08. Review status: criteria provided, single submitter. Criteria: ACMG Guidelines, 2015. Collection method: clinical testing. Allele origin: germline.
Comment: This missense variant replaces tryptophan with cysteine at codon 15 of the CDKN2A (p16INK4A) protein. Computational prediction suggests that this variant may not impact protein structure and function (internally defined REVEL score threshold <= 0.5, PMID: 27666373). To our knowledge, functional studies have not been reported for this variant. This variant has not been reported in individuals affected with hereditary cancer in the literature. This variant has not been identified in the general population by the Genome Aggregation Database (gnomAD). The available evidence is insufficient to determine the role of this variant in disease conclusively. Therefore, this variant is classified as a Variant of Uncertain Significance.

Quest Diagnostics Nichols Institute San Juan Capistrano
Classification: Uncertain significance. Last evaluated: 2017-03-23. Review status: criteria provided, single submitter. Criteria: Quest Diagnostics criteria. Collection method: clinical testing. Allele origin: germline.

GeneDx
Classification: Uncertain significance. Last evaluated: 2014-10-09. Review status: criteria provided, single submitter. Criteria: GeneDx Variant Classification (06012015). Collection method: clinical testing. Allele origin: germline. Affected: yes.
Comment: This variant is denoted CDKN2A c.45G>T at the cDNA level, p.Trp15Cys (W15C) at the protein level, and results in the change of a Tryptophan to a Cysteine (TGG>TGT). This variant has not, to our knowledge, been published in the literature as pathogenic or benign. CDKN2A Trp15Cys was not observed in approximately 6,500 individuals of European and African American ancestry in the NHLBI Exome Sequencing Project, indicating it is not a common benign variant in these populations. Since Tryptophan and Cysteine differ in polarity, charge, size or other properties, this is considered a non-conservative amino acid substitution. CDKN2A Trp15Cys occurs at a position that is variable across species and is located in the first Ankyrin repeat domain (UniProt). In silico analyses predict that this variant is unlikely to alter protein structure or function. Based on currently available information, it is unclear whether CDKN2A Trp15Cys is pathogenic or benign. We consider it to be a variant of uncertain significance.